The following is an entry in ClinVar:

ClinVar aggregate classification (germline): Uncertain significance (1 of 4 stars; one submission).

Conditions:
Autosomal dominant nonsyndromic hearing loss 3B. Identifiers: Orphanet 90635, MedGen C2675237, MONDO:0012975, OMIM 612643.
Autosomal recessive nonsyndromic hearing loss 1A (DFNB1A). Also called: Connexin 26 deafness; Deafness nonsyndromic, Connexin 26 linked; GJB6-Related DFNB 1 Nonsyndromic Hearing Loss and Deafness; Deafness, autosomal recessive 1A; Nonsyndromic Hearing Loss and Deafness, DFNB1; GJB2-Related Autosomal Recessive Nonsyndromic Hearing Loss. Identifiers: Orphanet 90636, MedGen C2673759, MONDO:0009076, OMIM 220290.
Hidrotic ectodermal dysplasia syndrome (GJB6). Also called: CLOUSTON HIDROTIC ECTODERMAL DYSPLASIA; Ectodermal dysplasia 2, hidrotic; Autosomal dominant hidrotic ectodermal dysplasia; Clouston syndrome; Clouston's hidrotic ectodermal dysplasia; ECTODERMAL DYSPLASIA 2, CLOUSTON TYPE. Identifiers: Orphanet 189, MedGen C0162361, MONDO:0007510, OMIM 129500.
Autosomal recessive nonsyndromic hearing loss 1B. Also called: DEAFNESS, AUTOSOMAL RECESSIVE 1B. Identifiers: Orphanet 90636, MedGen C2675235, MONDO:0012977, OMIM 612645.

Submission:

Labcorp Genetics (formerly Invitae), Labcorp
Classification: Uncertain significance for Autosomal dominant nonsyndromic hearing loss 3B; Hidrotic ectodermal dysplasia syndrome; Autosomal recessive nonsyndromic hearing loss 1B; Autosomal recessive nonsyndromic hearing loss 1A. Last evaluated: 2025-04-26. Review status: criteria provided, single submitter. Criteria: Invitae Variant Classification Sherloc (09022015). Collection method: clinical testing. Allele origin: germline.
Comment: This sequence change replaces arginine, which is basic and polar, with tryptophan, which is neutral and slightly polar, at codon 127 of the GJB6 protein (p.Arg127Trp). This variant is present in population databases (no rsID available, gnomAD 0.003%). This variant has not been reported in the literature in individuals affected with GJB6-related conditions. Invitae Evidence Modeling of protein sequence and biophysical properties (such as structural, functional, and spatial information, amino acid conservation, physicochemical variation, residue mobility, and thermodynamic stability) indicates that this missense variant is not expected to disrupt GJB6 protein function with a negative predictive value of 80%. In summary, the available evidence is currently insufficient to determine the role of this variant in disease. Therefore, it has been classified as a Variant of Uncertain Significance.

NM_001110219.3(GJB6):c.379C>T (p.Arg127Trp)

Gene: GJB6 (gap junction protein beta 6; minus strand). Cytogenetic location: 13q12.11.
Variant type: single nucleotide variant.
Coding change: c.379C>T on transcript NM_001110219.3 (MANE Select); coding-DNA position 379, C replaced by T.
Protein change: p.Arg127Trp; replaces arginine 127 with tryptophan.
Molecular consequence: missense variant.
Genome position (GRCh38, 1-based): chr13:20,223,102, G>A on the plus strand (C>T on the coding strand, the complement: GJB6 is on the minus strand). VCF-style: chr13-20223102-G-A. GRCh37 (hg19) VCF-style: chr13-20797241-G-A.
Other names: c.379C>T, p.Arg127Trp (NM_001110220.3, NM_001110221.3, NM_001370090.1 and 3 more transcripts); short protein forms R127W.
Identifiers: ClinVar variation 4782461 (VCV004782461.1).